The following is an entry in ClinVar:

ClinVar aggregate classification (germline): Likely benign (1 of 4 stars; one submission).

gnomAD v4.1: 1 of 1,613,994 alleles (0.000062%); no homozygotes.

Submission:

CeGaT Center for Human Genetics Tuebingen
Classification: Likely benign. Last evaluated: 2022-06-01. Review status: criteria provided, single submitter. Criteria: CeGaT Center For Human Genetics Tuebingen Variant Classification Criteria Version 2. Collection method: clinical testing. Allele origin: germline. Affected: yes. Observed: 1 variant allele.
Comment: CPOX: PM2:Supporting, BP4, BP7

NM_000097.7(CPOX):c.480G>A (p.Gln160=)

Gene: CPOX (coproporphyrinogen oxidase; minus strand). Cytogenetic location: 3q11.2.
Variant type: single nucleotide variant.
Coding change: c.480G>A on transcript NM_000097.7 (MANE Select); coding-DNA position 480, G replaced by A.
Protein change: p.Gln160=; no amino-acid change (glutamine 160 retained).
Molecular consequence: synonymous variant.
Genome position (GRCh38, 1-based): chr3:98,593,025, C>T on the plus strand (G>A on the coding strand, the complement: CPOX is on the minus strand). VCF-style: chr3-98593025-C-T. GRCh37 (hg19) VCF-style: chr3-98311869-C-T.
Identifiers: ClinVar variation 2654001 (VCV002654001.24), dbSNP rs2472120947, ClinGen allele CA434771061.